The following is an entry in ClinVar:

NM_001089.3(ABCA3):c.2665GAG[2] (p.Glu891del)

Gene: ABCA3 (ATP binding cassette subfamily A member 3; minus strand). Cytogenetic location: 16p13.3.
Variant type: Microsatellite.
Coding change: c.2665GAG[2] on transcript NM_001089.3 (MANE Select); two copies in a row of the 3-base unit GAG starting at c.2665; the reference has three copies in a row; one copy, 3 bases deleted.
Protein change: p.Glu891del; deletes glutamic acid 891.
Molecular consequence: inframe deletion.
Genome position (GRCh38, 1-based): chr16:2,289,461-2,289,463, CTC deleted on the plus strand (GAG on the coding strand, the reverse complement: ABCA3 is on the minus strand); deleting any 3 consecutive bases within chr16:2,289,461-2,289,469 gives the same sequence; the position shown is the placement nearest the transcript's 3' end. VCF-style (leftmost placement, unchanged base first): chr16-2289460-GCTC-G. GRCh37 (hg19) VCF-style: chr16-2339461-GCTC-G.
Other names: short protein forms E891del.
Identifiers: ClinVar variation 1794552 (VCV001794552.3), dbSNP rs748868457, ClinGen allele CA7840751.
Genomic context (GRCh38, chr16:2,289,460, plus strand): 5'-CCCCCGCCACCCGCCCACCCACCTGGGCACTCACCCCAGTGTTGAGCTTGACAGCGGTGC[GCTC>G]CTCCTCGATGAGGGCTCCAATGCCGTCGGAGGGGTCCATGGCCCCACAGAGGTTGCTGTC-3'

ClinVar aggregate classification (germline): Uncertain significance. Review status: criteria provided, multiple submitters, no conflicts (2 of 4 stars). 2 submissions from 2 submitters: Uncertain significance (2). Last evaluated 2025-09-01.

Conditions:
Hereditary pulmonary alveolar proteinosis. Also called: Pulmonary surfactant metabolism dysfunction. Identifiers: Orphanet 264675, MedGen C3711368, MONDO:0012580.

Submissions (2):

Labcorp Genetics (formerly Invitae), Labcorp
Classification: Uncertain significance. Last evaluated: 2025-09-01. Review status: criteria provided, single submitter. Criteria: Invitae Variant Classification Sherloc (09022015). Collection method: clinical testing. Allele origin: germline.
Comment: This variant, c.2671_2673del, results in the deletion of 1 amino acid(s) of the ABCA3 protein (p.Glu891del), but otherwise preserves the integrity of the reading frame. This variant is present in population databases (rs748868457, gnomAD 0.06%). This variant has not been reported in the literature in individuals affected with ABCA3-related conditions. Experimental studies and prediction algorithms are not available or were not evaluated, and the functional significance of this variant is currently unknown. In summary, the available evidence is currently insufficient to determine the role of this variant in disease. Therefore, it has been classified as a Variant of Uncertain Significance.

Ambry Genetics
Classification: Uncertain significance for Hereditary pulmonary alveolar proteinosis. Last evaluated: 2017-11-09. Review status: criteria provided, single submitter. Criteria: Ambry Variant Classification Scheme 2023. Collection method: clinical testing. Allele origin: germline.
Comment: The c.2671_2673delGAG variant (also known as p.E891del), located in coding exon 17 of the ABCA3 gene, results from an in-frame deletion of GAG deletion at nucleotide positions 2671 to 2673. This results in the in-frame deletion of a glutamic acid at codon 891. This amino acid position is poorly conserved in available vertebrate species. Since supporting evidence is limited at this time, the clinical significance of this alteration remains unclear.